The following is an entry in ClinVar:

ClinVar aggregate classification (germline): Uncertain significance. Review status: criteria provided, multiple submitters, no conflicts (2 of 4 stars). 7 submissions from 7 submitters: Uncertain significance (6). 1 of the submissions does not count toward it. Last evaluated 2025-02-20.

Conditions:
Muscular dystrophy-dystroglycanopathy (congenital with brain and eye anomalies), type A, 4 (MDDGA4). Also called: Walker-Warburg Syndrome, Fktn-Related; Muscular dystrophy, congenital progressive, with mental retardation; Muscular dystrophy, congenital, with central nervous system involvement; Cerebromuscular dystrophy, Fukuyama type; Congenital muscular dystrophy-dystroglycanopathy with brain and eye anomalies, type A4; WALKER-WARBURG SYNDROME OR MUSCLE-EYE-BRAIN DISEASE, FKTN-RELATED. Identifiers: Orphanet 272, Orphanet 588, Orphanet 899, MedGen C0410174, MONDO:0009678, OMIM 253800.
Muscular dystrophy-dystroglycanopathy (congenital without impaired intellectual development), type B, 4. Also called: Muscular dystrophy-dystroglycanopathy (congenital without intellectual disability), type B4; MUSCULAR DYSTROPHY, CONGENITAL, FKTN-RELATED. Identifiers: MedGen C2751052, MONDO:0013156, OMIM 613152.
Dilated cardiomyopathy 1X (CMD1X). Also called: FKTN-Related Dilated Cardiomyopathy; CARDIOMYOPATHY, DILATED, WITH MILD OR NO PROXIMAL MUSCLE WEAKNESS. Identifiers: Orphanet 154, MedGen C1969024, MONDO:0012704, OMIM 611615.
Muscular dystrophy-dystroglycanopathy (congenital with brain and eye anomalies), type A1 (MDDGA1). Also called: COD-MD SYNDROME; Muscular dystrophy-dystroglycanopathy (congenital with brain and eye anomalies), type A, 1; WALKER-WARBURG SYNDROME OR MUSCLE-EYE-BRAIN DISEASE, POMT1-RELATED; Hydrocephalus, agyria and retinal dysplasia; Hard +/- E syndrome; Warburg syndrome. Identifiers: Orphanet 588, Orphanet 899, MedGen C4284790, MONDO:0009364, OMIM 236670.
Autosomal recessive limb-girdle muscular dystrophy type 2M. Also called: MUSCULAR DYSTROPHY-DYSTROGLYCANOPATHY (LIMB-GIRDLE), TYPE C, 4; MUSCULAR DYSTROPHY, LIMB-GIRDLE, TYPE 2M. Identifiers: Orphanet 206554, MedGen C1969040, MONDO:0012699, OMIM 611588.
Cardiovascular phenotype. Identifiers: MedGen CN230736.
Walker-Warburg congenital muscular dystrophy. Also called: Muscular dystrophy-dystroglycanopathy, type A; Walker-Warburg syndrome. Identifiers: Orphanet 899, MedGen C0265221, MONDO:0000171.

Allele frequency attached by ClinVar (database versions not stated): gnomAD exomes 0.00002 and 0.00003; ExAC 0.00001; TOPMed 0.00002; gnomAD 0.00003.
gnomAD v4.1: 45 of 1,612,406 alleles (0.0028%); highest among the groups gnomAD compares: Non-Finnish European, 0.0036%; no homozygotes.

Submissions (7):

Ambry Genetics
Classification: Uncertain significance for Cardiovascular phenotype. Last evaluated: 2025-02-20. Review status: criteria provided, single submitter. Criteria: Ambry Variant Classification Scheme 2023. Collection method: clinical testing. Allele origin: germline.
Comment: The p.R47Q variant (also known as c.140G>A), located in coding exon 2 of the FKTN gene, results from a G to A substitution at nucleotide position 140. The arginine at codon 47 is replaced by glutamine, an amino acid with highly similar properties. This amino acid position is conserved. In addition, this alteration is predicted to be tolerated by in silico analysis. Since supporting evidence is limited at this time, the clinical significance of this alteration remains unclear.

GeneDx
Classification: Uncertain significance. Last evaluated: 2025-02-19. Review status: criteria provided, single submitter. Criteria: GeneDx Variant Classification Process June 2021. Collection method: clinical testing. Allele origin: germline. Affected: yes.
Comment: Not observed at significant frequency in large population cohorts (gnomAD); In silico analysis indicates that this missense variant does not alter protein structure/function; Has not been previously published as pathogenic or benign to our knowledge

Revvity Omics, Revvity
Classification: Uncertain significance. Last evaluated: 2025-01-22. Review status: criteria provided, single submitter. Criteria: ACMG Guidelines, 2015. Collection method: clinical testing. Allele origin: germline.

Labcorp Genetics (formerly Invitae), Labcorp
Classification: Uncertain significance for Walker-Warburg congenital muscular dystrophy. Last evaluated: 2022-08-16. Review status: criteria provided, single submitter. Criteria: Invitae Variant Classification Sherloc (09022015). Collection method: clinical testing. Allele origin: germline.
Comment: This sequence change replaces arginine, which is basic and polar, with glutamine, which is neutral and polar, at codon 47 of the FKTN protein (p.Arg47Gln). This variant is present in population databases (rs753641411, gnomAD 0.004%). This variant has not been reported in the literature in individuals affected with FKTN-related conditions. ClinVar contains an entry for this variant (Variation ID: 643980). Algorithms developed to predict the effect of missense changes on protein structure and function output the following: SIFT: "Tolerated"; PolyPhen-2: "Benign"; Align-GVGD: "Class C0". The glutamine amino acid residue is found in multiple mammalian species, which suggests that this missense change does not adversely affect protein function. In summary, the available evidence is currently insufficient to determine the role of this variant in disease. Therefore, it has been classified as a Variant of Uncertain Significance.

Fulgent Genetics
Classification: Uncertain significance for Muscular dystrophy-dystroglycanopathy (congenital with brain and eye anomalies), type A1; Muscular dystrophy-dystroglycanopathy (congenital with brain and eye anomalies), type A, 4; Autosomal recessive limb-girdle muscular dystrophy type 2M; Dilated cardiomyopathy 1X; Muscular dystrophy-dystroglycanopathy (congenital without impaired intellectual development), type B, 4. Last evaluated: 2021-11-03. Review status: criteria provided, single submitter. Criteria: ACMG Guidelines, 2015. Collection method: clinical testing. Allele origin: unknown.

Breakthrough Genomics
Classification: Uncertain significance. Review status: criteria provided, single submitter. Criteria: ACMG Guidelines, 2015. Collection method: not provided. Allele origin: germline. Inheritance: Autosomal recessive inheritance. Affected: yes.

Natera, Inc.
Classification: Uncertain significance for Walker-Warburg congenital muscular dystrophy. Last evaluated: 2021-03-23. Review status: no assertion criteria provided. Collection method: clinical testing. Allele origin: germline. Not counted in ClinVar's aggregate classification.

NM_001079802.2(FKTN):c.140G>A (p.Arg47Gln)

Gene: FKTN (fukutin; plus strand). Cytogenetic location: 9q31.2.
Variant type: single nucleotide variant.
Coding change: c.140G>A on transcript NM_001079802.2 (MANE Select); coding-DNA position 140, G replaced by A.
Protein change: p.Arg47Gln; replaces arginine 47 with glutamine.
Molecular consequence: missense variant. On other transcripts: 5 prime UTR variant (5), non-coding transcript variant (2).
Genome position (GRCh38, 1-based): chr9:105,596,632, G>A. VCF-style: chr9-105596632-G-A. GRCh37 (hg19) VCF-style: chr9-108358913-G-A.
Other names: c.140G>A, p.Arg47Gln (NM_001198963.2, NM_001351496.2, NM_001351498.2 and 1 more transcripts); c.-28G>A (NM_001351497.2); c.-375G>A (NM_001351499.2, NM_001351500.2, NM_001351501.2 and 1 more transcripts); short protein forms R47Q.
Identifiers: ClinVar variation 643980 (VCV000643980.18), dbSNP rs753641411, ClinGen allele CA5170318.